The following is an entry in ClinVar:

ClinVar aggregate classification (germline): Conflicting classifications of pathogenicity. Review status: criteria provided, conflicting classifications (1 of 4 stars). 4 submissions from 4 submitters: Uncertain significance (3); Likely benign (1). Last evaluated 2026-01-06.

Conditions:
Welander distal myopathy (WDM). Also called: Gower's muscular dystrophy; MUSCULAR DYSTROPHY, DISTAL, LATE-ONSET, AUTOSOMAL DOMINANT; Welander distal myopathy, Swedish type; Distal myopathy, Swedish type. Identifiers: Orphanet 603, MedGen C0221054, MONDO:0011466, OMIM 604454.

Allele frequency attached by ClinVar (database versions not stated): gnomAD 0.00003 and 0.00004; ExAC 0.00007; gnomAD exomes 0.00007 and 0.00010; TOPMed 0.00008.
gnomAD v4.1: 118 of 1,613,146 alleles (0.0073%); highest among the groups gnomAD compares: Non-Finnish European, 0.0075%; no homozygotes.

Submissions (4):

Labcorp Genetics (formerly Invitae), Labcorp
Classification: Uncertain significance for Welander distal myopathy. Last evaluated: 2026-01-06. Review status: criteria provided, single submitter. Criteria: Invitae Variant Classification Sherloc (09022015). Collection method: clinical testing. Allele origin: germline.
Comment: This sequence change replaces glycine, which is neutral and non-polar, with serine, which is neutral and polar, at codon 336 of the TIA1 protein (p.Gly336Ser). This variant is present in population databases (rs200963371, gnomAD 0.08%), and has an allele count higher than expected for a pathogenic variant. This variant has not been reported in the literature in individuals affected with TIA1-related conditions. ClinVar contains an entry for this variant (Variation ID: 1045764). An algorithm developed to predict the effect of missense changes on protein structure and function (PolyPhen-2) suggests that this variant is likely to be tolerated. In summary, the available evidence is currently insufficient to determine the role of this variant in disease. Therefore, it has been classified as a Variant of Uncertain Significance.

GeneDx
Classification: Uncertain significance. Last evaluated: 2025-07-03. Review status: criteria provided, single submitter. Criteria: GeneDx Variant Classification Process June 2021. Collection method: clinical testing. Allele origin: germline. Affected: yes.
Comment: Reported in a patient with behavioral variant frontotemporal dementia who also harbored variants in additional genes that may be contributing to the phenotype (PMID: 30528349); In silico analysis suggests that this missense variant does not alter protein structure/function; This variant is associated with the following publications: (PMID: 30528349)

Revvity Omics, Revvity
Classification: Likely benign. Last evaluated: 2024-02-28. Review status: criteria provided, single submitter. Criteria: ACMG Guidelines, 2015. Collection method: clinical testing. Allele origin: germline.

Mayo Clinic Laboratories, Mayo Clinic
Classification: Uncertain significance. Last evaluated: 2019-08-11. Review status: criteria provided, single submitter. Criteria: ACMG Guidelines, 2015. Collection method: clinical testing. Allele origin: germline. Observed: 1 variant allele.

NM_022173.4(TIA1):c.1006G>A (p.Gly336Ser)

Gene: TIA1 (TIA1 cytotoxic granule associated RNA binding protein; minus strand). Cytogenetic location: 2p13.3.
Variant type: single nucleotide variant.
Coding change: c.1006G>A on transcript NM_022173.4 (MANE Select); coding-DNA position 1006, G replaced by A.
Protein change: p.Gly336Ser; replaces glycine 336 with serine.
Molecular consequence: missense variant. On other transcripts: non-coding transcript variant (17).
Genome position (GRCh38, 1-based): chr2:70,214,377, C>T on the plus strand (G>A on the coding strand, the complement: TIA1 is on the minus strand). VCF-style: chr2-70214377-C-T. GRCh37 (hg19) VCF-style: chr2-70441509-C-T.
Other names: c.1003G>A, p.Gly335Ser (NM_001351508.2); c.979G>A, p.Gly327Ser (NM_001351509.2); c.970G>A, p.Gly324Ser (NM_001351510.2); c.895G>A, p.Gly299Ser (NM_001351511.1); c.868G>A, p.Gly290Ser (NM_001351512.1); c.862G>A, p.Gly288Ser (NM_001351513.1); c.778G>A, p.Gly260Ser (NM_001351514.2); c.703G>A, p.Gly235Ser (NM_001351515.2); and 4 more; short protein forms G196S, G235S, G260S, G288S, G290S, G299S, G324S, G335S.
Identifiers: ClinVar variation 1045764 (VCV001045764.16), dbSNP rs200963371, ClinGen allele CA1697429.